The following is an entry in ClinVar:

NM_004204.5(PIGQ):c.227G>T (p.Ser76Ile)

Gene: PIGQ (phosphatidylinositol glycan anchor biosynthesis class Q; plus strand). Cytogenetic location: 16p13.3.
Variant type: single nucleotide variant.
Coding change: c.227G>T on transcript NM_004204.5 (MANE Select); coding-DNA position 227, G replaced by T.
Protein change: p.Ser76Ile; replaces serine 76 with isoleucine.
Molecular consequence: missense variant.
Genome position (GRCh38, 1-based): chr16:574,301, G>T. VCF-style: chr16-574301-G-T. GRCh37 (hg19) VCF-style: chr16-624301-G-T.
Other names: c.227G>T, p.Ser76Ile (NM_148920.4); short protein forms S76I.
Identifiers: ClinVar variation 1715548 (VCV001715548.5), dbSNP rs2151044285, ClinGen allele CA394046973.

ClinVar aggregate classification (germline): Uncertain significance (1 of 4 stars; one submission).

Conditions:
Epilepsy. Also called: Seizure disorder. Identifiers: MedGen C0014544, MeSH D004827, MONDO:0005027.

Submission:

Labcorp Genetics (formerly Invitae), Labcorp
Classification: Uncertain significance for Epilepsy. Last evaluated: 2023-08-10. Review status: criteria provided, single submitter. Criteria: Invitae Variant Classification Sherloc (09022015). Collection method: clinical testing. Allele origin: germline.
Comment: This sequence change replaces serine, which is neutral and polar, with isoleucine, which is neutral and non-polar, at codon 76 of the PIGQ protein (p.Ser76Ile). This variant is not present in population databases (gnomAD no frequency). This variant has not been reported in the literature in individuals affected with PIGQ-related conditions. ClinVar contains an entry for this variant (Variation ID: 1715548). An algorithm developed to predict the effect of missense changes on protein structure and function (PolyPhen-2) suggests that this variant is likely to be tolerated. In summary, the available evidence is currently insufficient to determine the role of this variant in disease. Therefore, it has been classified as a Variant of Uncertain Significance.